The following is an entry in ClinVar:

NM_144631.6(ZNF513):c.57G>A (p.Val19=)

Gene: ZNF513 (zinc finger protein 513; minus strand). Cytogenetic location: 2p23.3.
Variant type: single nucleotide variant.
Coding change: c.57G>A on transcript NM_144631.6 (MANE Select); coding-DNA position 57, G replaced by A.
Protein change: p.Val19=; no amino-acid change (valine 19 retained).
Molecular consequence: synonymous variant. On other transcripts: 5 prime UTR variant (1).
Genome position (GRCh38, 1-based): chr2:27,380,247, C>T on the plus strand (G>A on the coding strand, the complement: ZNF513 is on the minus strand). VCF-style: chr2-27380247-C-T. GRCh37 (hg19) VCF-style: chr2-27603114-C-T.
Other names: c.-130G>A (NM_001201459.2).
Identifiers: ClinVar variation 856264 (VCV000856264.10), dbSNP rs776413728, ClinGen allele CA1578167.

ClinVar aggregate classification (germline): Uncertain significance (1 of 4 stars; one submission).

Allele frequency attached by ClinVar (database versions not stated): gnomAD exomes below 0.00001; ExAC 0.00001.

Submissions (2):

Labcorp Genetics (formerly Invitae), Labcorp
Classification: Uncertain significance. Last evaluated: 2022-11-01. Review status: criteria provided, single submitter. Criteria: Invitae Variant Classification Sherloc (09022015). Collection method: clinical testing. Allele origin: germline.
Comment: Algorithms developed to predict the effect of sequence changes on RNA splicing suggest that this variant may create or strengthen a splice site. This sequence change affects codon 19 of the ZNF513 mRNA. It is a 'silent' change, meaning that it does not change the encoded amino acid sequence of the ZNF513 protein. This variant is not present in population databases (gnomAD no frequency). This variant has not been reported in the literature in individuals affected with ZNF513-related conditions. ClinVar contains an entry for this variant (Variation ID: 856264). In summary, the available evidence is currently insufficient to determine the role of this variant in disease. Therefore, it has been classified as a Variant of Uncertain Significance.

Dr. Peter K. Rogan Lab, Western University
No classification provided (evidence only). Condition: Clear cell carcinoma of kidney. Review status: no classification provided. Collection method: in vitro. Allele origin: not applicable. Functional consequence: retained intron. Not counted in ClinVar's aggregate classification.